The following is an entry in ClinVar:

ClinVar aggregate classification (germline): Uncertain significance (1 of 4 stars; one submission).

Conditions:
Mitochondrial complex II deficiency, nuclear type 1. Also called: SUCCINATE CoQ REDUCTASE DEFICIENCY. Identifiers: Orphanet 3208, MedGen C5700310, MONDO:0100294, OMIM 252011.
Pheochromocytoma/paraganglioma syndrome 5. Also called: Paragangliomas 5; SDHA-Related Hereditary Paraganglioma-Pheochromocytoma Syndrome. Identifiers: Orphanet 29072, MedGen C3279992, MONDO:0013602, OMIM 614165.

Submission:

Labcorp Genetics (formerly Invitae), Labcorp
Classification: Uncertain significance for Pheochromocytoma/paraganglioma syndrome 5; Mitochondrial complex II deficiency, nuclear type 1. Last evaluated: 2021-01-14. Review status: criteria provided, single submitter. Criteria: Invitae Variant Classification Sherloc (09022015). Collection method: clinical testing. Allele origin: germline.
Comment: In summary, the available evidence is currently insufficient to determine the role of this variant in disease. Therefore, it has been classified as a Variant of Uncertain Significance. Algorithms developed to predict the effect of missense changes on protein structure and function are either unavailable or do not agree on the potential impact of this missense change (SIFT: "Not Available"; PolyPhen-2: "Probably Damaging"; Align-GVGD: "Not Available"). This variant has not been reported in the literature in individuals with SDHA-related conditions. This variant is not present in population databases (ExAC no frequency). This sequence change replaces alanine with phenylalanine at codon 444 of the SDHA protein (p.Ala444Phe). The alanine residue is highly conserved and there is a moderate physicochemical difference between alanine and phenylalanine.

NM_004168.4(SDHA):c.1330_1331delinsTT (p.Ala444Phe)

Gene: SDHA (succinate dehydrogenase complex flavoprotein subunit A; plus strand). Cytogenetic location: 5p15.33.
Variant type: Indel.
Coding change: c.1330_1331delinsTT on transcript NM_004168.4 (MANE Select); coding-DNA positions 1330 to 1331, GC replaced by TT.
Protein change: p.Ala444Phe; replaces alanine 444 with phenylalanine.
Molecular consequence: missense variant.
Genome position (GRCh38, 1-based): chr5:236,497-236,498, GC replaced by TT. VCF-style: chr5-236497-GC-TT. GRCh37 (hg19) VCF-style: chr5-236612-GC-TT.
Other names: c.1186_1187delinsTT, p.Ala396Phe (NM_001294332.2); c.1330_1331delinsTT, p.Ala444Phe (NM_001330758.2); short protein forms A396F, A444F.
Identifiers: ClinVar variation 1027330 (VCV001027330.7), dbSNP rs1735790227, ClinGen allele CA1521983255.
Genomic context (GRCh38, chr5:236,497, plus strand): 5'-CACGTGAATGGCCAGGATCAGATTGTGCCCGGCCTGTACGCCTGTGGGGAGGCCGCCTGT[GC>TT]CTCGGTACATGGTGCCAACCGCCTCGGGGCAAACTCGCTCTTGGACCTGGTTGTCTTTGG-3'
Protein context (NP_004159.2, residues 434-454): GLYACGEAAC[Ala444Phe]SVHGANRLGA